The following is an entry in ClinVar:

ClinVar aggregate classification (germline): Benign/Likely benign. Review status: criteria provided, multiple submitters, no conflicts (2 of 4 stars). 5 submissions from 5 submitters: Benign (1); Likely benign (4). Last evaluated 2026-01-21.

Conditions:
Pheochromocytoma/paraganglioma syndrome 5. Also called: Paragangliomas 5; SDHA-Related Hereditary Paraganglioma-Pheochromocytoma Syndrome. Identifiers: Orphanet 29072, MedGen C3279992, MONDO:0013602, OMIM 614165.
Mitochondrial complex II deficiency, nuclear type 1. Also called: SUCCINATE CoQ REDUCTASE DEFICIENCY. Identifiers: Orphanet 3208, MedGen C5700310, MONDO:0100294, OMIM 252011.
Hereditary cancer-predisposing syndrome. Also called: Neoplastic Syndromes, Hereditary; Tumor predisposition; Hereditary Cancer Syndrome; Hereditary neoplastic syndrome. Identifiers: Orphanet 140162, MedGen C0027672, MeSH D009386, MONDO:0015356.

Allele frequency attached by ClinVar (database versions not stated): gnomAD exomes 0.00004 and 0.00008; ExAC 0.00005; gnomAD 0.00005 and 0.00006; TOPMed 0.00005; ESP Exome Variant Server 0.00008.
gnomAD v4.1: 63 of 1,613,916 alleles (0.0039%); highest among the groups gnomAD compares: Middle Eastern, 0.016%; no homozygotes.

Submissions (5):

Labcorp Genetics (formerly Invitae), Labcorp
Classification: Likely benign for Pheochromocytoma/paraganglioma syndrome 5; Mitochondrial complex II deficiency, nuclear type 1. Last evaluated: 2026-01-21. Review status: criteria provided, single submitter. Criteria: Invitae Variant Classification Sherloc (09022015). Collection method: clinical testing. Allele origin: germline.

Myriad Genetics, Inc.
Classification: Benign for Pheochromocytoma/paraganglioma syndrome 5. Last evaluated: 2025-03-07. Review status: criteria provided, single submitter. Criteria: Myriad Autosomal Dominant, Autosomal Recessive and X-Linked Classification Criteria (2023). Collection method: clinical testing. Allele origin: unknown.
Comment: This variant is considered benign. This variant is a silent/synonymous amino acid change and it is not expected to impact splicing.

Blueprint Genetics
Classification: Likely benign. Last evaluated: 2024-11-25. Review status: criteria provided, single submitter. Criteria: ACMG Guidelines, 2015. Collection method: clinical testing. Allele origin: germline.

Quest Diagnostics Nichols Institute San Juan Capistrano
Classification: Likely benign. Last evaluated: 2021-08-20. Review status: criteria provided, single submitter. Criteria: Quest Diagnostics criteria. Collection method: clinical testing. Allele origin: unknown.

Ambry Genetics
Classification: Likely benign for Hereditary cancer-predisposing syndrome. Last evaluated: 2015-05-04. Review status: criteria provided, single submitter. Criteria: Ambry Variant Classification Scheme 2023. Collection method: clinical testing. Allele origin: germline.

NM_004168.4(SDHA):c.1176C>T (p.Gly392=)

Gene: SDHA (succinate dehydrogenase complex flavoprotein subunit A; plus strand). Cytogenetic location: 5p15.33.
Variant type: single nucleotide variant.
Coding change: c.1176C>T on transcript NM_004168.4 (MANE Select); coding-DNA position 1176, C replaced by T.
Protein change: p.Gly392=; no amino-acid change (glycine 392 retained).
Molecular consequence: synonymous variant.
Genome position (GRCh38, 1-based): chr5:235,255, C>T. VCF-style: chr5-235255-C-T. GRCh37 (hg19) VCF-style: chr5-235370-C-T.
Other names: c.1032C>T, p.Gly344= (NM_001294332.2); c.1176C>T, p.Gly392= (NM_001330758.2).
Identifiers: ClinVar variation 412392 (VCV000412392.19), dbSNP rs1041950, ClinGen allele CA3173128.